The following is an entry in ClinVar:

NM_001754.5(RUNX1):c.1190A>G (p.Gln397Arg)

Gene: RUNX1 (RUNX family transcription factor 1; minus strand). Cytogenetic location: 21q22.12.
Variant type: single nucleotide variant.
Coding change: c.1190A>G on transcript NM_001754.5 (MANE Select); coding-DNA position 1190, A replaced by G.
Protein change: p.Gln397Arg; replaces glutamine 397 with arginine.
Molecular consequence: missense variant.
Genome position (GRCh38, 1-based): chr21:34,792,388, T>C on the plus strand (A>G on the coding strand, the complement: RUNX1 is on the minus strand). VCF-style: chr21-34792388-T-C. GRCh37 (hg19) VCF-style: chr21-36164685-T-C.
Other names: NM_001754.4(RUNX1):c.1190A>G; p.Gln397Arg; c.1109A>G, p.Gln370Arg (NM_001001890.3); short protein forms Q397R, Q370R.
Identifiers: ClinVar variation 532673 (VCV000532673.15), dbSNP rs762292084, ClinGen allele CA10014193.

ClinVar aggregate classification (germline): Benign. Review status: reviewed by expert panel (3 of 4 stars). 5 submissions from 5 submitters: Benign (1). 4 of the submissions do not count toward it. Last evaluated 2022-07-07.

Conditions:
Hereditary thrombocytopenia and hematologic cancer predisposition syndrome. Identifiers: Orphanet 71290, MedGen CN281654, MONDO:0011071.
RUNX1-related disorder. Also called: RUNX1-related condition.
Inborn genetic diseases. Identifiers: MedGen C0950123, MeSH D030342.
Hereditary thrombocytopenia and hematological cancer predisposition syndrome associated with RUNX1. Also called: Familial Platelet Disorder with Propensity to Acute Myelogenous Leukemia; Familial thrombocytopenia with propensity to acute myelogenous leukemia; PLATELET DISORDER, ASPIRIN-LIKE; RUNX1 Familial Platelet Disorder with Associated Myeloid Malignancies. Identifiers: Orphanet 71290, MedGen C1832388, MeSH C563324, MONDO:0100083, OMIM 601399.

Allele frequency attached by ClinVar (database versions not stated): gnomAD exomes 0.00005 and 0.00027; gnomAD 0.00007 and 0.00008; TOPMed 0.00008; ExAC 0.00032.
gnomAD v4.1: 80 of 1,565,746 alleles (0.0051%); highest among the groups gnomAD compares: East Asian, 0.17%; no homozygotes.

Submissions (5):

ClinGen Myeloid Malignancy Variant Curation Expert Panel
Classification: Benign for Hereditary thrombocytopenia and hematologic cancer predisposition syndrome. Last evaluated: 2022-07-07. Review status: reviewed by expert panel. Criteria: ClinGen MyeloMalig ACMG Specifications v2. Collection method: curation. Allele origin: germline. Inheritance: Autosomal dominant inheritance.
Comment: This c.1190A>G (p.Gln397Arg) missense variant has a MAF of 0.003624 (0.3624%, 53/14624, 202938 alleles) in the East Asian subpopulation of the gnomAD v2 cohort, which is ≥ 0.0015 (0.15%) (BA1). The high allele frequency accounts for reports of this variant in affected individuals: 2 heterozygous patients with AML (PMID: 19808697), a homozygous patient with personal and family history of thrombocytopenia (PMID: 30103613), and other reports of this variant in patients with MDS, AML, and T-ALL that have not been confirmed to be of germline origin (PMID: 17910630, 24523240, 24792891, 24850867, 28157215, 29279377). Furthermore, an abstract indicated that a dual luciferase assay used to assess this variant's transactivation ability in K562 cells was normal, although this data was not published in a peer-reviewed format (Huang et al., 2009, ASH Abstract 3468). This missense variant have a REVEL score <0.5 (0.238), and is not predicted by SpliceAI, MES, or SSF-like to have a splicing impact (BP4). In summary, this variant meets criteria to be classified as benign. ACMG/AMP criteria applied, as specified by the ClinGen Myeloid Malignancy Variant Curation Expert Panel for RUNX1: BA1 and BP4.

Labcorp Genetics (formerly Invitae), Labcorp
Classification: Likely benign for Hereditary thrombocytopenia and hematological cancer predisposition syndrome associated with RUNX1. Last evaluated: 2025-11-18. Review status: criteria provided, single submitter. Criteria: Invitae Variant Classification Sherloc (09022015). Collection method: clinical testing. Allele origin: germline. Not counted in ClinVar's aggregate classification.

PreventionGenetics, part of Exact Sciences
Classification: Likely benign for RUNX1-related condition. Last evaluated: 2025-01-27. Review status: criteria provided, single submitter. Criteria: ACMG Guidelines, 2015. Collection method: clinical testing. Allele origin: germline. Not counted in ClinVar's aggregate classification.
Comment: This variant is classified as likely benign based on ACMG/AMP sequence variant interpretation guidelines (Richards et al. 2015 PMID: 25741868, with internal and published modifications).

Ambry Genetics
Classification: Benign for Inborn genetic diseases. Last evaluated: 2024-06-28. Review status: criteria provided, single submitter. Criteria: Ambry Variant Classification Scheme 2023. Collection method: clinical testing. Allele origin: germline. Not counted in ClinVar's aggregate classification.

GeneDx
Classification: Likely benign. Last evaluated: 2022-12-07. Review status: criteria provided, single submitter. Criteria: GeneDx Variant Classification Process June 2021. Collection method: clinical testing. Allele origin: germline. Affected: yes. Not counted in ClinVar's aggregate classification.
Comment: In silico analysis supports that this missense variant has a deleterious effect on protein structure/function; Observed in the germline of an individual with pediatric ALL (Cecile Liu et al., 2022); This variant is associated with the following publications: (PMID: 24523240, Liu2022, 19808697, Huang_2009_Abstract)